The following is an entry in ClinVar:

NM_000459.5(TEK):c.2524C>T (p.Arg842Cys)

Gene: TEK (TEK receptor tyrosine kinase; plus strand). Cytogenetic location: 9p21.2.
Variant type: single nucleotide variant.
Coding change: c.2524C>T on transcript NM_000459.5 (MANE Select); coding-DNA position 2524, C replaced by T.
Protein change: p.Arg842Cys; replaces arginine 842 with cysteine.
Molecular consequence: missense variant.
Genome position (GRCh38, 1-based): chr9:27,206,741, C>T. VCF-style: chr9-27206741-C-T. GRCh37 (hg19) VCF-style: chr9-27206739-C-T.
Other names: c.2395C>T, p.Arg799Cys (NM_001290077.2); c.2080C>T, p.Arg694Cys (NM_001290078.2); c.2521C>T, p.Arg841Cys (NM_001375475.1); c.2392C>T, p.Arg798Cys (NM_001375476.1); short protein forms R694C, R798C, R799C, R841C, R842C.
Identifiers: ClinVar variation 3600450 (VCV003600450.1).
Genomic context (GRCh38, chr9:27,206,741, plus strand): 5'-AATGACATCAAATTTCAAGATGTGATTGGGGAGGGCAATTTTGGCCAAGTTCTTAAGGCG[C>T]GCATCAAGAAGGATGGGTTACGGATGGATGCTGCCATCAAAAGAATGAAAGGTCAGTGGT-3'
Protein context (NP_000450.3, residues 832-852): EGNFGQVLKA[Arg842Cys]IKKDGLRMDA

ClinVar aggregate classification (germline): Uncertain significance (1 of 4 stars; one submission).

Conditions:
Multiple cutaneous and mucosal venous malformations (VMCM). Also called: TEK-Related Multiple Cutaneous and Mucosal Venous Malformations (VMCM). Identifiers: Orphanet 2451, MedGen C1838437, MONDO:0010842, OMIM 600195.

gnomAD v4.1: 46 of 1,613,948 alleles (0.0029%); highest among the groups gnomAD compares: East Asian, 0.0089%; no homozygotes.

Submission:

Clinical Genomics Laboratory, Washington University in St. Louis
Classification: Uncertain significance for Multiple cutaneous and mucosal venous malformations. Last evaluated: 2024-10-21. Review status: criteria provided, single submitter. Criteria: ACMG Guidelines, 2015. Collection method: clinical testing. Allele origin: germline.
Comment: The TEK c.2524C>T (p.Arg842Cys) variant was identified at a near heterozygous allelic fraction of 47.23%, a frequency that may be consistent with germline origin. This variant, to our knowledge, has not been reported in the medical literature. It is observed on 46/1,613,948 alleles in the general population (gnomAD v.4.1.0). Computational predictors are uncertain as to the impact of this variant on TIE2 function. Due to limited information and based on ACMG/AMP guidelines for variant interpretation (Richards S et al., PMID: 25741868), the clinical significance of this variant is uncertain at this time.